The following is an entry in ClinVar:

ClinVar aggregate classification (germline): Likely pathogenic (1 of 4 stars; one submission).

Conditions:
Dilated cardiomyopathy 1G (CMD1G). Identifiers: Orphanet 154, MedGen C1858763, MONDO:0011400, OMIM 604145.
Autosomal recessive limb-girdle muscular dystrophy type 2J (LGMDR10). Also called: Limb-girdle muscular dystrophy, type 2J; MUSCULAR DYSTROPHY, LIMB-GIRDLE, AUTOSOMAL RECESSIVE 10. Identifiers: Orphanet 140922, MedGen C1837342, MONDO:0012127, OMIM 608807.

Submission:

Labcorp Genetics (formerly Invitae), Labcorp
Classification: Likely pathogenic for Dilated cardiomyopathy 1G; Autosomal recessive limb-girdle muscular dystrophy type 2J. Last evaluated: 2024-10-18. Review status: criteria provided, single submitter. Criteria: Invitae Variant Classification Sherloc (09022015). Collection method: clinical testing. Allele origin: germline.
Comment: This sequence change creates a premature translational stop signal (p.Pro13682Hisfs*2) in the TTN gene. While this is not anticipated to result in nonsense mediated decay, it is expected to create a truncated TTN protein. This variant is not present in population databases (gnomAD no frequency). This variant has not been reported in the literature in individuals affected with TTN-related conditions. Experimental studies and prediction algorithms are not available or were not evaluated, and the functional significance of this variant is currently unknown. This variant is located in the I band of TTN (PMID: 25589632). Truncating variants in this region have been reported in individuals affected with autosomal recessive centronuclear myopathy (PMID: 23975875, internal data). Truncating variants in this region have also been identified in individuals affected with autosomal dominant dilated cardiomyopathy and/or cardio-related conditions (PMID: 27869827, 32964742, internal data). In summary, the currently available evidence indicates that the variant is pathogenic, but additional data are needed to prove that conclusively. Therefore, this variant has been classified as Likely Pathogenic.

Literature cited by the submitters: PubMed 25589632; PubMed 23975875; PubMed 27869827; PubMed 32964742.

NM_001267550.2(TTN):c.41043del (p.Pro13682fs)

Gene: TTN (titin; minus strand). Cytogenetic location: 2q31.2.
Variant type: Deletion.
Coding change: c.41043del on transcript NM_001267550.2 (MANE Select); coding-DNA position 41043, one base deleted (G; older notation c.41043delG).
Protein change: p.Pro13682fs; shifts the reading frame from proline 13682.
Molecular consequence: frameshift variant.
Genome position (GRCh38, 1-based): chr2:178,636,684, C deleted on the plus strand (G on the coding strand, the reverse complement: TTN is on the minus strand). VCF-style (leftmost placement, unchanged base first): chr2-178636683-GC-G. GRCh37 (hg19) VCF-style: chr2-179501410-GC-G.
Other names: c.36120del, p.Pro12041fs (NM_001256850.1); c.13848del, p.Pro4617fs (NM_003319.4); c.33339del, p.Pro11114fs (NM_133378.4); c.14223del, p.Pro4742fs (NM_133432.3); c.14424del, p.Pro4809fs (NM_133437.4); short protein forms P12041fs, P4809fs, P4617fs, P13682fs, P4742fs, P11114fs.
Identifiers: ClinVar variation 2950215 (VCV002950215.3), dbSNP rs2471636851, ClinGen allele CA2740096168.